The following is an entry in ClinVar:

ClinVar aggregate classification (germline): Benign (1 of 4 stars; one submission).

Conditions:
Immunodeficiency 67. Also called: Immunodeficiency due to interleukin-1 receptor-associated kinase-4 deficiency. Identifiers: Orphanet 70592, MedGen C1843256, MONDO:0011888, OMIM 607676.

Allele frequency attached by ClinVar (database versions not stated): gnomAD 0.01652 and 0.01899; TOPMed 0.01955; gnomAD exomes 0.02586; 1000 Genomes Project 0.03954; 1000 Genomes Project 30x 0.03966.
gnomAD v4.1: 2,881 of 152,164 alleles (1.9%); highest among the groups gnomAD compares: South Asian, 7.2%; 60 homozygotes.

Submission:

Illumina Laboratory Services, Illumina
Classification: Benign for Immunodeficiency 67. Last evaluated: 2018-01-13. Review status: criteria provided, single submitter. Criteria: ICSL Variant Classification Criteria 13 December 2019. Collection method: clinical testing. Allele origin: germline.
Comment: This variant was observed in the ICSL laboratory as part of a predisposition screen in an ostensibly healthy population. It had not been previously curated by ICSL or reported in the Human Gene Mutation Database (HGMD: prior to June 1st, 2018), and was therefore a candidate for classification through an automated scoring system. Utilizing variant allele frequency, disease prevalence and penetrance estimates, and inheritance mode, an automated score was calculated to assess if this variant is too frequent to cause the disease. Based on the score and internal cut-off values, a variant classified as benign is not then subjected to further curation. The score for this variant resulted in a classification of benign for this disease.

NM_016123.4(IRAK4):c.*1760G>A

Gene: IRAK4 (interleukin 1 receptor associated kinase 4; plus strand). Cytogenetic location: 12q12.
Variant type: single nucleotide variant.
Coding change: c.*1760G>A on transcript NM_016123.4 (MANE Select); 1760 bases downstream of the stop codon, G replaced by A.
Molecular consequence: 3 prime UTR variant.
Genome position (GRCh38, 1-based): chr12:43,788,475, G>A. VCF-style: chr12-43788475-G-A. GRCh37 (hg19) VCF-style: chr12-44182278-G-A.
Other names: c.*1760G>A (NM_001114182.3, NM_001145256.2, NM_001145257.2 and 9 more transcripts).
Identifiers: ClinVar variation 308752 (VCV000308752.5), dbSNP rs144535012, ClinGen allele CA10641241.
Genomic context (GRCh38, chr12:43,788,475, plus strand): 5'-CAACCATGAGGGAAGCCACGCACCCTGCAAAGCCACAGGAGTGGAGCTGCCCACGGCCTC[G>A]AGGGCCCACCCCTTGCACCAGTGTGCCAGGATGTGGGACATGGAATCAAGGAATATGTTA-3'